The following is an entry in ClinVar:

NM_004525.3(LRP2):c.10769-11C>G

Gene: LRP2 (LDL receptor related protein 2; minus strand). Cytogenetic location: 2q31.1.
Variant type: single nucleotide variant.
Coding change: c.10769-11C>G on transcript NM_004525.3 (MANE Select); 11 bases into the intron before coding-DNA position 10769, C replaced by G.
Molecular consequence: intron variant.
Genome position (GRCh38, 1-based): chr2:169,174,175, G>C on the plus strand (C>G on the coding strand, the complement: LRP2 is on the minus strand). VCF-style: chr2-169174175-G-C. GRCh37 (hg19) VCF-style: chr2-170030685-G-C.
Identifiers: ClinVar variation 1915918 (VCV001915918.5), dbSNP rs2545727939, ClinGen allele CA2580064423.

ClinVar aggregate classification (germline): Uncertain significance (1 of 4 stars; one submission).

Allele frequency attached by ClinVar (database versions not stated): gnomAD exomes below 0.00001.
gnomAD v4.1: 1 of 1,614,134 alleles (0.000062%); highest among the groups gnomAD compares: South Asian, 0.0011%; no homozygotes.

Submission:

Labcorp Genetics (formerly Invitae), Labcorp
Classification: Uncertain significance. Last evaluated: 2023-08-10. Review status: criteria provided, single submitter. Criteria: Invitae Variant Classification Sherloc (09022015). Collection method: clinical testing. Allele origin: germline.
Comment: This sequence change falls in intron 55 of the LRP2 gene. It does not directly change the encoded amino acid sequence of the LRP2 protein. This variant is not present in population databases (gnomAD no frequency). This variant has not been reported in the literature in individuals affected with LRP2-related conditions. ClinVar contains an entry for this variant (Variation ID: 1915918). Algorithms developed to predict the effect of sequence changes on RNA splicing suggest that this variant may disrupt the consensus splice site. In summary, the available evidence is currently insufficient to determine the role of this variant in disease. Therefore, it has been classified as a Variant of Uncertain Significance.